The following is an entry in ClinVar:

NM_130837.3(OPA1):c.2872+1G>C

Gene: OPA1 (OPA1 mitochondrial dynamin like GTPase; plus strand). Cytogenetic location: 3q29.
Variant type: single nucleotide variant.
Coding change: c.2872+1G>C on transcript NM_130837.3 (MANE Select); the canonical splice donor site of the intron after coding-DNA position 2872, G replaced by C.
Molecular consequence: splice donor variant.
Genome position (GRCh38, 1-based): chr3:193,666,390, G>C. VCF-style: chr3-193666390-G-C. GRCh37 (hg19) VCF-style: chr3-193384179-G-C.
Other names: c.2335+1G>C (NM_001354664.2); c.2338+1G>C (NM_001354663.2); c.2761+1G>C (NM_130834.3); c.2818+1G>C (NM_130836.3); c.2707+1G>C (NM_015560.3); c.2764+1G>C (NM_130835.3); c.2653+1G>C (NM_130832.3); c.2710+1G>C (NM_130833.3); and 1 more.
Identifiers: ClinVar variation 3338790 (VCV003338790.2).

ClinVar aggregate classification (germline): Pathogenic. Review status: criteria provided, multiple submitters, no conflicts (2 of 4 stars). 2 submissions from 2 submitters: Pathogenic (2). Last evaluated 2023-12-12.

Conditions:
OPA1-related disorder. Also called: OPA1-related condition; OPA1-related disorders.

Submissions (2):

GeneDx
Classification: Pathogenic. Last evaluated: 2023-12-12. Review status: criteria provided, single submitter. Criteria: GeneDx Variant Classification Process June 2021. Collection method: clinical testing. Allele origin: germline. Affected: yes.
Comment: Reported in multiple unrelated families with autosomal dominant optic atrophy in published literature (PMID: 22857269); Canonical splice site variant predicted to result in a null allele in a gene for which loss of function is a known mechanism of disease; Not observed at significant frequency in large population cohorts (gnomAD); This variant is associated with the following publications: (PMID: 22857269)

Blueprint Genetics
Classification: Pathogenic for OPA1-related disorders. Last evaluated: 2023-02-15. Review status: criteria provided, single submitter. Criteria: ACMG Guidelines, 2015. Collection method: clinical testing. Allele origin: germline. Affected: yes. Observed: 1 variant allele.